The following is an entry in ClinVar:

NM_001134665.3(TRMT10A):c.438C>G (p.His146Gln)

Gene: TRMT10A (tRNA methyltransferase 10A; minus strand). Cytogenetic location: 4q23.
Variant type: single nucleotide variant.
Coding change: c.438C>G on transcript NM_001134665.3 (MANE Select); coding-DNA position 438, C replaced by G.
Protein change: p.His146Gln; replaces histidine 146 with glutamine.
Molecular consequence: missense variant.
Genome position (GRCh38, 1-based): chr4:99,556,203, G>C on the plus strand (C>G on the coding strand, the complement: TRMT10A is on the minus strand). VCF-style: chr4-99556203-G-C. GRCh37 (hg19) VCF-style: chr4-100477360-G-C.
Other names: c.438C>G, p.His146Gln (NM_001134666.3, NM_001375880.1, NM_001375881.1 and 2 more transcripts); short protein forms H146Q.
Identifiers: ClinVar variation 1409328 (VCV001409328.8), dbSNP rs767404604, ClinGen allele CA102654856.

ClinVar aggregate classification (germline): Uncertain significance (1 of 4 stars; one submission).

gnomAD v4.1: 13 of 1,613,166 alleles (0.00081%); highest among the groups gnomAD compares: African/African-American, 0.0013%; no homozygotes.

Submission:

Labcorp Genetics (formerly Invitae), Labcorp
Classification: Uncertain significance. Last evaluated: 2021-07-28. Review status: criteria provided, single submitter. Criteria: Invitae Variant Classification Sherloc (09022015). Collection method: clinical testing. Allele origin: germline.
Comment: In summary, the available evidence is currently insufficient to determine the role of this variant in disease. Therefore, it has been classified as a Variant of Uncertain Significance. Algorithms developed to predict the effect of missense changes on protein structure and function are either unavailable or do not agree on the potential impact of this missense change (SIFT: "Tolerated"; PolyPhen-2: "Probably Damaging"; Align-GVGD: "Class C0"). This variant has not been reported in the literature in individuals with TRMT10A-related conditions. This variant is not present in population databases (ExAC no frequency). This sequence change replaces histidine with glutamine at codon 146 of the TRMT10A protein (p.His146Gln). The histidine residue is moderately conserved and there is a small physicochemical difference between histidine and glutamine.